The following is an entry in ClinVar:

NM_001378452.1(ITPR1):c.2204+4C>T

Gene: ITPR1 (inositol 1,4,5-trisphosphate receptor type 1; plus strand). Cytogenetic location: 3p26.1.
Variant type: single nucleotide variant.
Coding change: c.2204+4C>T on transcript NM_001378452.1 (MANE Select); 4 bases into the intron after coding-DNA position 2204, C replaced by T.
Molecular consequence: intron variant.
Genome position (GRCh38, 1-based): chr3:4,670,930, C>T. VCF-style: chr3-4670930-C-T. GRCh37 (hg19) VCF-style: chr3-4712614-C-T.
Other names: c.2204+4C>T (NM_001099952.4); c.2159+4C>T (NM_001168272.2, NM_002222.7).
Identifiers: ClinVar variation 1389714 (VCV001389714.6), dbSNP rs374620253, ClinGen allele CA2231358.

ClinVar aggregate classification (germline): Uncertain significance (1 of 4 stars; one submission).

Allele frequency attached by ClinVar (database versions not stated): gnomAD exomes 0.00001 and 0.00003; gnomAD 0.00003 and 0.00004; ExAC 0.00005; TOPMed 0.00005; ESP Exome Variant Server 0.00008.
gnomAD v4.1: 22 of 1,544,072 alleles (0.0014%); highest among the groups gnomAD compares: African/African-American, 0.0055%; no homozygotes.

Submission:

Labcorp Genetics (formerly Invitae), Labcorp
Classification: Uncertain significance. Last evaluated: 2021-07-03. Review status: criteria provided, single submitter. Criteria: Invitae Variant Classification Sherloc (09022015). Collection method: clinical testing. Allele origin: germline.
Comment: This variant has not been reported in the literature in individuals affected with ITPR1-related conditions. Nucleotide substitutions within the consensus splice site are a relatively common cause of aberrant splicing (PMID: 17576681, 9536098). Algorithms developed to predict the effect of sequence changes on RNA splicing suggest that this variant may disrupt the consensus splice site. In summary, the available evidence is currently insufficient to determine the role of this variant in disease. Therefore, it has been classified as a Variant of Uncertain Significance. This variant is present in population databases (rs374620253, ExAC 0.02%). This sequence change falls in intron 19 of the ITPR1 gene. It does not directly change the encoded amino acid sequence of the ITPR1 protein. It affects a nucleotide within the consensus splice site of the intron.

Literature cited by the submitters: PubMed 17576681; PubMed 9536098.